The following is an entry in ClinVar:

NM_032043.3(BRIP1):c.615_616del (p.Ser206fs)

Gene: BRIP1 (BRCA1 interacting DNA helicase 1; minus strand). Cytogenetic location: 17q23.2.
Variant type: Deletion.
Coding change: c.615_616del on transcript NM_032043.3 (MANE Select); coding-DNA positions 615 to 616, 2 bases deleted (TT; older notation c.615_616delTT).
Protein change: p.Ser206fs; shifts the reading frame from serine 206.
Molecular consequence: frameshift variant.
Genome position (GRCh38, 1-based): chr17:61,847,112-61,847,113, AA deleted on the plus strand (TT on the coding strand, the reverse complement: BRIP1 is on the minus strand); deleting any 2 consecutive bases within chr17:61,847,112-61,847,115 gives the same sequence; the c. name uses the placement nearest the transcript's 3' end. VCF-style (leftmost placement, unchanged base first): chr17-61847111-GAA-G. GRCh37 (hg19) VCF-style: chr17-59924472-GAA-G.
Other names: short protein forms S206fs.
Identifiers: ClinVar variation 826208 (VCV000826208.5), dbSNP rs1603361558, ClinGen allele CA915950664.

ClinVar aggregate classification (germline): Pathogenic (1 of 4 stars; one submission).

Conditions:
Hereditary cancer-predisposing syndrome. Also called: Neoplastic Syndromes, Hereditary; Tumor predisposition; Hereditary neoplastic syndrome; Hereditary Cancer Syndrome. Identifiers: Orphanet 140162, MedGen C0027672, MeSH D009386, MONDO:0015356.

Submission:

Ambry Genetics
Classification: Pathogenic for Hereditary cancer-predisposing syndrome. Last evaluated: 2023-09-13. Review status: criteria provided, single submitter. Criteria: Ambry Variant Classification Scheme 2023. Collection method: clinical testing. Allele origin: germline.
Comment: The c.615_616delTT pathogenic mutation, located in coding exon 5 of the BRIP1 gene, results from a deletion of two nucleotides at nucleotide positions 615 to 616, causing a translational frameshift with a predicted alternate stop codon (p.S206Afs*10). This variant is considered to be rare based on population cohorts in the Genome Aggregation Database (gnomAD). This alteration is expected to result in loss of function by premature protein truncation or nonsense-mediated mRNA decay. As such, this alteration is interpreted as a disease-causing mutation.